The following is an entry in ClinVar:

NM_001369268.1(ACAN):c.7381G>T (p.Glu2461Ter)

Gene: ACAN (aggrecan; plus strand). Cytogenetic location: 15q26.1.
Variant type: single nucleotide variant.
Coding change: c.7381G>T on transcript NM_001369268.1 (MANE Select); coding-DNA position 7381, G replaced by T.
Protein change: p.Glu2461Ter; replaces glutamic acid 2461 with a stop codon.
Molecular consequence: nonsense.
Genome position (GRCh38, 1-based): chr15:88,872,959, G>T. VCF-style: chr15-88872959-G-T. GRCh37 (hg19) VCF-style: chr15-89416190-G-T.
Other names: c.7153G>T, p.Glu2385Ter (NM_001135.4, NM_001411096.1); c.7267G>T, p.Glu2423Ter (NM_001411097.1, NM_013227.4); short protein forms E2423*, E2385*, E2461*.
Identifiers: ClinVar variation 4735794 (VCV004735794.1).

ClinVar aggregate classification (germline): Pathogenic (1 of 4 stars; one submission).

Submission:

Labcorp Genetics (formerly Invitae), Labcorp
Classification: Pathogenic. Last evaluated: 2026-01-20. Review status: criteria provided, single submitter. Criteria: Invitae Variant Classification Sherloc (09022015). Collection method: clinical testing. Allele origin: germline.
Comment: This sequence change creates a premature translational stop signal (p.Glu2423*) in the ACAN gene. It is expected to result in an absent or disrupted protein product. Loss-of-function variants in ACAN are known to be pathogenic (PMID: 16080123, 24762113). This variant is not present in population databases (gnomAD no frequency). This variant has not been reported in the literature in individuals affected with ACAN-related conditions. For these reasons, this variant has been classified as Pathogenic.

Literature cited by the submitters: PubMed 16080123; PubMed 24762113.